The following is an entry in ClinVar:

ClinVar aggregate classification (germline): Likely benign (1 of 4 stars; one submission).

Submission:

GeneDx
Classification: Likely benign. Last evaluated: 2017-04-21. Review status: criteria provided, single submitter. Criteria: GeneDx Variant Classification (06012015). Collection method: clinical testing. Allele origin: germline. Affected: yes.
Comment: This variant is considered likely benign or benign based on one or more of the following criteria: it is a conservative change, it occurs at a poorly conserved position in the protein, it is predicted to be benign by multiple in silico algorithms, and/or has population frequency not consistent with disease.

NM_002103.5(GYS1):c.1308+18G>T

Gene: GYS1 (glycogen synthase 1; minus strand). Cytogenetic location: 19q13.33.
Variant type: single nucleotide variant.
Coding change: c.1308+18G>T on transcript NM_002103.5 (MANE Select); 18 bases into the intron after coding-DNA position 1308, G replaced by T.
Molecular consequence: intron variant.
Genome position (GRCh38, 1-based): chr19:48,977,906, C>A on the plus strand (G>T on the coding strand, the complement: GYS1 is on the minus strand). VCF-style: chr19-48977906-C-A. GRCh37 (hg19) VCF-style: chr19-49481163-C-A.
Other names: c.1116+18G>T (NM_001161587.2).
Identifiers: ClinVar variation 508262 (VCV000508262.1), dbSNP rs1555798755, ClinGen allele CA658799260.